The following is an entry in ClinVar:

ClinVar aggregate classification (germline): Uncertain significance (1 of 4 stars; one submission).

Conditions:
Hereditary cancer-predisposing syndrome. Also called: Neoplastic Syndromes, Hereditary; Tumor predisposition; Hereditary neoplastic syndrome; Hereditary Cancer Syndrome. Identifiers: Orphanet 140162, MedGen C0027672, MeSH D009386, MONDO:0015356.

Submission:

Ambry Genetics
Classification: Uncertain significance for Hereditary cancer-predisposing syndrome. Last evaluated: 2024-03-12. Review status: criteria provided, single submitter. Criteria: Ambry Variant Classification Scheme 2023. Collection method: clinical testing. Allele origin: germline.
Comment: The p.L1353F variant (also known as c.4059G>T), located in coding exon 10 of the MSH6 gene, results from a G to T substitution at nucleotide position 4059. The leucine at codon 1353 is replaced by phenylalanine, an amino acid with highly similar properties. This amino acid position is conserved. In addition, the in silico prediction for this alteration is inconclusive. Based on the available evidence, the clinical significance of this alteration remains unclear.

NM_000179.3(MSH6):c.4059G>T (p.Leu1353Phe)

Gene: MSH6 (mutS homolog 6; plus strand). Cytogenetic location: 2p16.3.
Variant type: single nucleotide variant.
Coding change: c.4059G>T on transcript NM_000179.3 (MANE Select); coding-DNA position 4059, G replaced by T.
Protein change: p.Leu1353Phe; replaces leucine 1353 with phenylalanine.
Molecular consequence: missense variant. On other transcripts: 3 prime UTR variant (5), non-coding transcript variant (5).
Genome position (GRCh38, 1-based): chr2:47,806,836, G>T. VCF-style: chr2-47806836-G-T. GRCh37 (hg19) VCF-style: chr2-48033975-G-T.
Other names: c.3153G>T, p.Leu1051Phe (NM_001406814.1, NM_001406815.1, NM_001406816.1 and 6 more transcripts); c.2493G>T, p.Leu831Phe (NM_001406817.1); c.3762G>T, p.Leu1254Phe (NM_001406818.1, NM_001406819.1, NM_001406820.1 and 8 more transcripts); c.*40G>T (NM_001406822.1, NM_001406801.1, NM_001406802.1 and 1 more transcripts); c.3891G>T, p.Leu1297Phe (NM_001406826.1); c.840G>T, p.Leu280Phe (NM_001406831.1); c.906G>T, p.Leu302Phe (NM_001406832.1); c.2004G>T, p.Leu668Phe (NM_001407362.1); and 9 more; short protein forms L302F, L668F, L831F, L1051F, L1065F, L1178F, L1223F, L1254F.
Identifiers: ClinVar variation 3230578 (VCV003230578.1), dbSNP rs1553334048, ClinGen allele CA346761735.